The following is an entry in ClinVar:

ClinVar aggregate classification (germline): Uncertain significance (1 of 4 stars; one submission).

Conditions:
Episodic ataxia type 2 (EA2). Also called: CEREBELLAR ATAXIA, PAROXYSMAL, ACETAZOLAMIDE-RESPONSIVE; CEREBELLOPATHY, HEREDITARY PAROXYSMAL; EPISODIC ATAXIA, NYSTAGMUS-ASSOCIATED; ACETAZOLAMIDE-RESPONSIVE HEREDITARY PAROXYSMAL CEREBELLAR ATAXIA; ATAXIA, EPISODIC, WITH NYSTAGMUS; ATAXIA, FAMILIAL PAROXYSMAL. Identifiers: Orphanet 97, MedGen C1720416, MONDO:0007163, OMIM 108500.
Developmental and epileptic encephalopathy, 42 (DEE42A). Also called: Epileptic encephalopathy, early infantile, 42; DEVELOPMENTAL AND EPILEPTIC ENCEPHALOPATHY 42A; EPILEPTIC ENCEPHALOPATHY, EARLY INFANTILE, 42A. Identifiers: MedGen C4310716, MONDO:0014917, OMIM 617106.

Submission:

Labcorp Genetics (formerly Invitae), Labcorp
Classification: Uncertain significance for Developmental and epileptic encephalopathy, 42; Episodic ataxia type 2. Last evaluated: 2022-11-01. Review status: criteria provided, single submitter. Criteria: Invitae Variant Classification Sherloc (09022015). Collection method: clinical testing. Allele origin: germline.
Comment: This variant is not present in population databases (gnomAD no frequency). This sequence change replaces serine, which is neutral and polar, with arginine, which is basic and polar, at codon 1752 of the CACNA1A protein (p.Ser1752Arg). In summary, the available evidence is currently insufficient to determine the role of this variant in disease. Therefore, it has been classified as a Variant of Uncertain Significance. Advanced modeling of protein sequence and biophysical properties (such as structural, functional, and spatial information, amino acid conservation, physicochemical variation, residue mobility, and thermodynamic stability) has been performed at Invitae for this missense variant, however the output from this modeling did not meet the statistical confidence thresholds required to predict the impact of this variant on CACNA1A protein function. This variant has not been reported in the literature in individuals affected with CACNA1A-related conditions.

NM_001127222.2(CACNA1A):c.5251A>C (p.Ser1751Arg)

Gene: CACNA1A (calcium voltage-gated channel subunit alpha1 A; minus strand). Cytogenetic location: 19p13.13.
Variant type: single nucleotide variant.
Coding change: c.5251A>C on transcript NM_001127222.2 (MANE Select); coding-DNA position 5251, A replaced by C.
Protein change: p.Ser1751Arg; replaces serine 1751 with arginine.
Molecular consequence: missense variant.
Genome position (GRCh38, 1-based): chr19:13,231,859, T>G on the plus strand (A>C on the coding strand, the complement: CACNA1A is on the minus strand). VCF-style: chr19-13231859-T-G. GRCh37 (hg19) VCF-style: chr19-13342673-T-G.
Other names: c.5269A>C, p.Ser1757Arg (NM_000068.4, NM_023035.3); c.5254A>C, p.Ser1752Arg (NM_001127221.2); c.5260A>C, p.Ser1754Arg (NM_001174080.2); short protein forms S1752R, S1754R, S1751R, S1757R.
Identifiers: ClinVar variation 2941222 (VCV002941222.3), dbSNP rs2512627280, ClinGen allele CA404334972.